The following is an entry in ClinVar:

NM_001286445.3(RIPOR2):c.2573C>T (p.Ser858Leu)

Gene: RIPOR2 (RHO family interacting cell polarization regulator 2; minus strand). Cytogenetic location: 6p22.3.
Variant type: single nucleotide variant.
Coding change: c.2573C>T on transcript NM_001286445.3 (MANE Select); coding-DNA position 2573, C replaced by T.
Protein change: p.Ser858Leu; replaces serine 858 with leucine.
Molecular consequence: missense variant.
Genome position (GRCh38, 1-based): chr6:24,828,229, G>A on the plus strand (C>T on the coding strand, the complement: RIPOR2 is on the minus strand). VCF-style: chr6-24828229-G-A. GRCh37 (hg19) VCF-style: chr6-24828457-G-A.
Other names: c.2636C>T (NM_014722.2, NM_014722.4); c.2486C>T, p.Ser829Leu (NM_001346031.2, NM_001346032.2); c.2636C>T, p.Ser879Leu (NM_014722.5); short protein forms S829L, S858L, S879L.
Identifiers: ClinVar variation 1680486 (VCV001680486.10), dbSNP rs756958222, ClinGen allele CA136168864.

ClinVar aggregate classification (germline): Uncertain significance. Review status: criteria provided, multiple submitters, no conflicts (2 of 4 stars). 3 submissions from 3 submitters: Uncertain significance (2). 1 of the submissions does not count toward it. Last evaluated 2025-08-10.

Conditions:
RIPOR2-related disorder. Also called: RIPOR2-related condition.

Allele frequency attached by ClinVar (database versions not stated): gnomAD 0.00005 and 0.00006; gnomAD exomes 0.00008 and 0.00018.
gnomAD v4.1: 253 of 1,551,290 alleles (0.016%); highest among the groups gnomAD compares: Non-Finnish European, 0.02%; no homozygotes.

Submissions (3):

Labcorp Genetics (formerly Invitae), Labcorp
Classification: Uncertain significance. Last evaluated: 2025-08-10. Review status: criteria provided, single submitter. Criteria: Invitae Variant Classification Sherloc (09022015). Collection method: clinical testing. Allele origin: germline.
Comment: This sequence change replaces serine, which is neutral and polar, with leucine, which is neutral and non-polar, at codon 879 of the FAM65B protein (p.Ser879Leu). This variant is present in population databases (rs756958222, gnomAD 0.02%). This variant has not been reported in the literature in individuals affected with FAM65B-related conditions. ClinVar contains an entry for this variant (Variation ID: 1680486). An algorithm developed to predict the effect of missense changes on protein structure and function outputs the following: PolyPhen-2: "Benign". The leucine amino acid residue is found in multiple mammalian species, which suggests that this missense change does not adversely affect protein function. In summary, the available evidence is currently insufficient to determine the role of this variant in disease. Therefore, it has been classified as a Variant of Uncertain Significance.

Ambry Genetics
Classification: Uncertain significance. Last evaluated: 2025-04-15. Review status: criteria provided, single submitter. Criteria: Ambry Variant Classification Scheme 2023. Collection method: clinical testing. Allele origin: germline.

PreventionGenetics, part of Exact Sciences
Classification: Uncertain significance for RIPOR2-related condition. Last evaluated: 2024-01-16. Review status: no assertion criteria provided. Collection method: clinical testing. Allele origin: germline. Not counted in ClinVar's aggregate classification.
Comment: The RIPOR2 c.2636C>T variant is predicted to result in the amino acid substitution p.Ser879Leu. To our knowledge, this variant has not been reported in the literature. This variant is reported in 0.018% of alleles in individuals of East Asian descent in gnomAD. At this time, the clinical significance of this variant is uncertain due to the absence of conclusive functional and genetic evidence.